The following is an entry in ClinVar:

NM_016203.4(PRKAG2):c.1643C>T (p.Ser548Leu)

Gene: PRKAG2 (protein kinase AMP-activated non-catalytic subunit gamma 2; minus strand). Cytogenetic location: 7q36.1.
Variant type: single nucleotide variant.
Coding change: c.1643C>T on transcript NM_016203.4 (MANE Select); coding-DNA position 1643, C replaced by T.
Protein change: p.Ser548Leu; replaces serine 548 with leucine.
Molecular consequence: missense variant.
Genome position (GRCh38, 1-based): chr7:151,560,559, G>A on the plus strand (C>T on the coding strand, the complement: PRKAG2 is on the minus strand). VCF-style: chr7-151560559-G-A. GRCh37 (hg19) VCF-style: chr7-151257645-G-A.
Other names: c.1511C>T, p.Ser504Leu (NM_001040633.2); c.1268C>T, p.Ser423Leu (NM_001304527.2); c.920C>T, p.Ser307Leu (NM_001304531.2, NM_024429.2); c.1271C>T, p.Ser424Leu (NM_001363698.2); short protein forms S548L, S423L, S307L, S504L, S424L.
Identifiers: ClinVar variation 567324 (VCV000567324.10), dbSNP rs1563131309, ClinGen allele CA370070296.

ClinVar aggregate classification (germline): Conflicting classifications of pathogenicity. Review status: criteria provided, conflicting classifications (1 of 4 stars). 3 submissions from 3 submitters: Pathogenic (1); Likely pathogenic (1); Uncertain significance (1). Last evaluated 2025-07-30.

Conditions:
Lethal congenital glycogen storage disease of heart. Also called: GLYCOGEN STORAGE DISEASE OF HEART; PHOSPHORYLASE KINASE DEFICIENCY OF HEART. Identifiers: Orphanet 439854, MedGen C1849813, MONDO:0009867, OMIM 261740.
PRKAG2-related disorder. Also called: PRKAG2-related condition; PRKAG2-related disorders.
Cardiomyopathy (CMYO). Also called: Cardiomyopathies. Identifiers: Orphanet 167848, MedGen C0878544, MONDO:0004994, HP:0001638. Inheritance: Various modes of inheritance.

Allele frequency attached by ClinVar (database versions not stated): TOPMed below 0.00001.

Submissions (3):

Labcorp Genetics (formerly Invitae), Labcorp
Classification: Pathogenic for Lethal congenital glycogen storage disease of heart. Last evaluated: 2025-07-30. Review status: criteria provided, single submitter. Criteria: Invitae Variant Classification Sherloc (09022015). Collection method: clinical testing. Allele origin: germline.
Comment: This sequence change replaces serine, which is neutral and polar, with leucine, which is neutral and non-polar, at codon 548 of the PRKAG2 protein (p.Ser548Leu). This variant is not present in population databases (gnomAD no frequency). This missense change has been observed in individuals with PRKAG2-related conditions (PMID: 32646569; internal data). This variant is also known as c.1642T>G. ClinVar contains an entry for this variant (Variation ID: 567324). Invitae Evidence Modeling of protein sequence and biophysical properties (such as structural, functional, and spatial information, amino acid conservation, physicochemical variation, residue mobility, and thermodynamic stability) indicates that this missense variant is expected to disrupt PRKAG2 protein function with a positive predictive value of 95%. This variant disrupts the p.Ser548 amino acid residue in PRKAG2. Other variant(s) that disrupt this residue have been observed in individuals with PRKAG2-related conditions (PMID: 16487706, 32646569; internal data), which suggests that this may be a clinically significant amino acid residue. For these reasons, this variant has been classified as Pathogenic.

Color Diagnostics, LLC DBA Color Health
Classification: Uncertain significance for Cardiomyopathy. Last evaluated: 2025-07-10. Review status: criteria provided, single submitter. Criteria: ACMG Guidelines, 2015. Collection method: clinical testing. Allele origin: germline.
Comment: This missense variant replaces serine with leucine at codon 548 of the PRKAG2 protein. Computational prediction suggests that this variant may have a deleterious impact on protein structure and function. To our knowledge, functional studies have not been reported for this variant. This variant has been reported in an individual affected with PRKAG2 syndrome (PMID: 32646569) and in an individual affected with an unspecified cardiomyopathy (PMID: 37477868). This variant has not been identified in the general population by the Genome Aggregation Database (gnomAD). The available evidence is insufficient to determine the role of this variant in disease conclusively. Therefore, this variant is classified as a Variant of Uncertain Significance.

Blueprint Genetics
Classification: Likely pathogenic for PRKAG2-related disorders. Last evaluated: 2023-07-19. Review status: criteria provided, single submitter. Criteria: ACMG Guidelines, 2015. Collection method: clinical testing. Allele origin: germline. Affected: yes. Observed: 3 variant alleles.

Literature cited by the submitters: PubMed 32646569 (cited by Labcorp Genetics (formerly Invitae), Labcorp and Color Diagnostics, LLC DBA Color Health); PubMed 16487706 (cited by Labcorp Genetics (formerly Invitae), Labcorp); PubMed 37477868 (cited by Color Diagnostics, LLC DBA Color Health).